The following is an entry in ClinVar:

NM_001244008.2(KIF1A):c.3604C>T (p.Arg1202Cys)

Gene: KIF1A (kinesin family member 1A; minus strand). Cytogenetic location: 2q37.3.
Variant type: single nucleotide variant.
Coding change: c.3604C>T on transcript NM_001244008.2 (MANE Select); coding-DNA position 3604, C replaced by T.
Protein change: p.Arg1202Cys; replaces arginine 1202 with cysteine.
Molecular consequence: missense variant.
Genome position (GRCh38, 1-based): chr2:240,742,965, G>A on the plus strand (C>T on the coding strand, the complement: KIF1A is on the minus strand). VCF-style: chr2-240742965-G-A. GRCh37 (hg19) VCF-style: chr2-241682382-G-A.
Other names: c.3301C>T, p.Arg1101Cys (NM_001379650.1, NM_001379651.1, NM_001379653.1 and 5 more transcripts); c.3328C>T, p.Arg1110Cys (NM_001320705.2, NM_001330289.2, NM_001379638.1); c.3403C>T, p.Arg1135Cys (NM_001330290.2, NM_001379634.1, NM_001379635.1 and 1 more transcripts); c.3679C>T, p.Arg1227Cys (NM_001379631.1); c.3553C>T, p.Arg1185Cys (NM_001379632.1); c.3577C>T, p.Arg1193Cys (NM_001379633.1, NM_001379642.1, NM_001379645.1); c.3376C>T, p.Arg1126Cys (NM_001379637.1, NM_001379648.1); c.3298C>T, p.Arg1100Cys (NM_001379640.1); short protein forms R1110C, R1202C, R1135C, R1227C, R1100C, R1101C, R1185C, R1193C.
Identifiers: ClinVar variation 970309 (VCV000970309.11), dbSNP rs759228543, ClinGen allele CA2207735.
Genomic context (GRCh38, chr2:240,742,965, plus strand): 5'-GACGGCTCCAGAGACCCTTCCTACCTGGCTTGGACAGTGGCATGACCCGAGGGAAGTGGC[G>A]GCGCGAGGGCCTCAGGGGGCTGTGGAGAAAGGACCAGTGTGAGGTGTTTGCGGGACCCTG-3'
Protein context (NP_001230937.1, residues 1192-1212): DVLSPLRPSR[Arg1202Cys]HFPRVMPLSK

ClinVar aggregate classification (germline): Conflicting classifications of pathogenicity. Review status: criteria provided, conflicting classifications (1 of 4 stars). 3 submissions from 3 submitters: Uncertain significance (2); Likely benign (1). Last evaluated 2025-12-08.

Conditions:
Hereditary spastic paraplegia 30. Identifiers: Orphanet 101010, MedGen C5235139, MONDO:0012476.
Neuropathy, hereditary sensory, type 2C. Also called: KIF1A-Related HSAN2 (HSAN2C); Hereditary sensory and autonomic neuropathy type IIC. Identifiers: Orphanet 970, MedGen C3280168, MONDO:0013634, OMIM 614213.
Intellectual disability, autosomal dominant 9 (NESCAVS). Also called: KIF1A-Related Neurodevelopmental Disorder; NESCAV SYNDROME. Identifiers: Orphanet 662367, MedGen C5393830, MONDO:0013656, OMIM 614255.
Spastic paraplegia 30B, autosomal recessive. Identifiers: MedGen C5935571, MONDO:0971149, OMIM 620607.
Spastic paraplegia 30A, autosomal dominant. Identifiers: MedGen CN380650, MONDO:0700307, OMIM 610357.

Allele frequency attached by ClinVar (database versions not stated): gnomAD 0.00001; ExAC 0.00003; TOPMed 0.00003.
gnomAD v4.1: 38 of 1,611,164 alleles (0.0024%); highest among the groups gnomAD compares: East Asian, 0.0089%; no homozygotes.

Submissions (3):

Labcorp Genetics (formerly Invitae), Labcorp
Classification: Likely benign for Hereditary spastic paraplegia 30; Neuropathy, hereditary sensory, type 2C; Intellectual disability, autosomal dominant 9. Last evaluated: 2025-12-08. Review status: criteria provided, single submitter. Criteria: Invitae Variant Classification Sherloc (09022015). Collection method: clinical testing. Allele origin: germline.

GeneDx
Classification: Uncertain significance. Last evaluated: 2023-02-23. Review status: criteria provided, single submitter. Criteria: GeneDx Variant Classification Process June 2021. Collection method: clinical testing. Allele origin: germline. Affected: yes.
Comment: Reported as a heterozygous apparently de novo variant in a patient with hereditary spastic paraplegia in published literature (Vecchia et al., 2022); In silico analysis supports that this missense variant has a deleterious effect on protein structure/function; This variant is associated with the following publications: (PMID: 34487232)

Juno Genomics, Hangzhou Juno Genomics, Inc
Classification: Uncertain significance for Spastic paraplegia 30B, autosomal recessive; Spastic paraplegia 30A, autosomal dominant; Intellectual disability, autosomal dominant 9; Neuropathy, hereditary sensory, type 2C. Review status: criteria provided, single submitter. Criteria: ACMG Guidelines, 2015. Collection method: clinical testing. Allele origin: germline.
Comment: Absent from controls (or at extremely low frequency if recessive) in Genome Aggregation Database.;Missense variant in a gene that has a low rate of benign missense variation.